The following is an entry in ClinVar:

NM_001377.3(DYNC2H1):c.8349T>A (p.Asp2783Glu)

Gene: DYNC2H1 (dynein cytoplasmic 2 heavy chain 1; plus strand). Cytogenetic location: 11q22.3.
Variant type: single nucleotide variant.
Coding change: c.8349T>A on transcript NM_001377.3 (MANE Select); coding-DNA position 8349, T replaced by A.
Protein change: p.Asp2783Glu; replaces aspartic acid 2783 with glutamic acid.
Molecular consequence: missense variant.
Genome position (GRCh38, 1-based): chr11:103,204,859, T>A. VCF-style: chr11-103204859-T-A. GRCh37 (hg19) VCF-style: chr11-103075588-T-A.
Other names: c.8349T>A, p.Asp2783Glu (NM_001080463.2); short protein forms D2783E.
Identifiers: ClinVar variation 2627966 (VCV002627966.1), dbSNP rs2496377515, ClinGen allele CA382258150.

ClinVar aggregate classification (germline): Uncertain significance (1 of 4 stars; one submission).

Conditions:
Asphyxiating thoracic dystrophy 3. Also called: SHORT-RIB THORACIC DYSPLASIA 3 WITH OR WITHOUT POLYDACTYLY; POLYDACTYLY WITH NEONATAL CHONDRODYSTROPHY, TYPE I; SHORT-RIB THORACIC DYSPLASIA 3/6 WITH POLYDACTYLY, DIGENIC; Short rib polydactyly syndrome 2B; Saldino-Noonan Syndrome. Identifiers: Orphanet 474, Orphanet 93269, Orphanet 93270, Orphanet 93271, MedGen C0036069, MONDO:0013127, OMIM 613091.

Allele frequency attached by ClinVar (database versions not stated): gnomAD exomes below 0.00001.
gnomAD v4.1: 2 of 1,589,148 alleles (0.00013%); highest among the groups gnomAD compares: South Asian, 0.0023%; no homozygotes.

Submission:

Neuberg Centre For Genomic Medicine, NCGM
Classification: Uncertain significance for Asphyxiating thoracic dystrophy 3. Review status: criteria provided, single submitter. Criteria: ACMG Guidelines, 2015. Collection method: clinical testing. Allele origin: germline. Inheritance: Autosomal recessive inheritance. Affected: yes.
Comment: The missense variant in c.8349T>A (p.Asp2783Glu) in DYNC2H1 gene has not been reported previously as a pathogenic variant nor as a benign variant, to our knowledge. The p.Asp2783Glu variant is novel (not in any individuals) in gnomAD Exomes and 1000 Genomes. The amino acid Asp at position 2783 is changed to a Glu changing protein sequence and it might alter its composition and physico-chemical properties. The variant is predicted to be damaging by both SIFT and PolyPhen2. The residue is conserved across species. The amino acid change p.Asp2783Glu in DYNC2H1 is predicted as conserved by GERP++ and PhyloP across 100 vertebrates. For these reasons, this variant has been classified as Uncertain Significance .